The following is an entry in ClinVar:

NM_000038.6(APC):c.2917dup (p.Tyr973fs)

Gene: APC (APC regulator of Wnt signaling pathway; plus strand). Cytogenetic location: 5q22.2.
Variant type: Duplication.
Coding change: c.2917dup on transcript NM_000038.6 (MANE Select); coding-DNA position 2917, one base duplicated (T; older notation c.2917dupT).
Protein change: p.Tyr973fs; shifts the reading frame from tyrosine 973.
Molecular consequence: frameshift variant. On other transcripts: non-coding transcript variant (2).
Genome position (GRCh38, 1-based): chr5:112,838,511, T duplicated; the last of 2 consecutive T bases (chr5:112,838,510-112,838,511); duplicating either gives the same sequence. VCF-style (leftmost placement, unchanged base first): chr5-112838509-G-GT. GRCh37 (hg19) VCF-style: chr5-112174206-G-GT.
Other names: c.2917dup, p.Tyr973fs (NM_001127510.3, NM_001354895.2, NM_001407450.1); c.2863dup, p.Tyr955fs (NM_001127511.3); c.2971dup, p.Tyr991fs (NM_001354896.2, NM_001407447.1, NM_001407448.1 and 1 more transcripts); c.2947dup, p.Tyr983fs (NM_001354897.2); c.2842dup, p.Tyr948fs (NM_001354898.2); c.2833dup, p.Tyr945fs (NM_001354899.2); c.2794dup, p.Tyr932fs (NM_001354900.2); c.2740dup, p.Tyr914fs (NM_001354901.2, NM_001407453.1); and 11 more; short protein forms Y1001fs, Y589fs, Y690fs, Y813fs, Y844fs, Y847fs, Y872fs, Y882fs.
Identifiers: ClinVar variation 2583571 (VCV002583571.1), dbSNP rs2533458995, ClinGen allele CA2582341454.

ClinVar aggregate classification (germline): Pathogenic (1 of 4 stars; one submission).

Conditions:
Familial adenomatous polyposis 1 (FAP1). Also called: POLYPOSIS, ADENOMATOUS INTESTINAL; FAMILIAL ADENOMATOUS POLYPOSIS 1, ATTENUATED. Identifiers: MedGen C2713442, MONDO:0021056, OMIM 175100. Disease mechanism: loss of function.

Submission:

Myriad Genetics, Inc.
Classification: Pathogenic for Familial adenomatous polyposis 1. Last evaluated: 2023-05-05. Review status: criteria provided, single submitter. Criteria: Myriad Autosomal Dominant, Autosomal Recessive and X-Linked Classification Criteria (2023). Collection method: clinical testing. Allele origin: unknown.
Comment: This variant is considered pathogenic. This variant creates a frameshift predicted to result in premature protein truncation.